The following is an entry in ClinVar:

ClinVar aggregate classification (germline): Benign. Review status: criteria provided, multiple submitters, no conflicts (2 of 4 stars). 2 submissions from 2 submitters: Benign (2). Last evaluated 2016-03-29.

Allele frequency attached by ClinVar (database versions not stated): gnomAD exomes 0.13343 and 0.13805; ExAC 0.17267; 1000 Genomes Project 0.20847; 1000 Genomes Project 30x 0.21783; gnomAD 0.22201 and 0.23218; ESP Exome Variant Server 0.23407; TOPMed 0.24083.
gnomAD v4.1: 234,769 of 1,601,102 alleles (15%); highest among the groups gnomAD compares: African/African-American, 46%; 22,462 homozygotes.

Submissions (2):

Laboratory for Molecular Medicine, Mass General Brigham Personalized Medicine
Classification: Benign. Last evaluated: 2016-03-29. Review status: criteria provided, single submitter. Criteria: LMM Criteria. Collection method: clinical testing. Allele origin: germline.
Comment: Variant identified in a genome or exome case(s) and assessed due to predicted null impact of the variant or pathogenic assertions in the literature or databases. Disclaimer: This variant has not undergone full assessment. The following are preliminary notes: Frequency

Breakthrough Genomics
Classification: Benign. Review status: criteria provided, single submitter. Criteria: ACMG Guidelines, 2015. Collection method: not provided. Allele origin: germline. Inheritance: Autosomal recessive inheritance. Affected: yes.

NM_001372106.1(DNAH10):c.10722+4T>C

Gene: DNAH10 (dynein axonemal heavy chain 10; plus strand). Cytogenetic location: 12q24.31.
Variant type: single nucleotide variant.
Coding change: c.10722+4T>C on transcript NM_001372106.1 (MANE Select); 4 bases into the intron after coding-DNA position 10722, T replaced by C.
Molecular consequence: intron variant.
Genome position (GRCh38, 1-based): chr12:123,915,003, T>C. VCF-style: chr12-123915003-T-C. GRCh37 (hg19) VCF-style: chr12-124399550-T-C.
Other names: c.10368+4T>C (NM_207437.3).
Identifiers: ClinVar variation 402624 (VCV000402624.5), dbSNP rs1316952, ClinGen allele CA6865476.